The following is an entry in ClinVar:

ClinVar aggregate classification (germline): Conflicting classifications of pathogenicity. Review status: criteria provided, conflicting classifications (1 of 4 stars). 3 submissions from 3 submitters: Uncertain significance (2); Benign (1). Last evaluated 2026-01-09.

Conditions:
Melnick-Needles syndrome (MNS). Also called: MELNICK-NEEDLES OSTEODYSPLASTY; OSTEODYSPLASTY OF MELNICK AND NEEDLES; Melnick-Needles Syndrome (FLNA-MNS). Identifiers: Orphanet 2484, MedGen C0025237, MONDO:0010650, OMIM 309350.
Oto-palato-digital syndrome, type II (OPD2). Also called: FACIOPALATOOSSEOUS SYNDROME; Otopalatodigital Syndrome, Type II; OPD II SYNDROME; Otopalatodigital Syndrome Type 2 (FLNA-OPD2). Identifiers: Orphanet 669, Orphanet 90652, MedGen C1844696, MONDO:0010571, OMIM 304120.
Terminal osseous dysplasia-pigmentary defects syndrome. Also called: ODPF SYNDROME; OSSEOUS DYSPLASIA, DIGITAL, WITH FACIAL PIGMENTARY DEFECTS AND MULTIPLE FRENULA; ODPD; TERMINAL OSSEOUS DYSPLASIA AND PIGMENTARY DEFECTS; Terminal Osseous Dysplasia (FLNA-TOD). Identifiers: Orphanet 88630, MedGen C1846129, MONDO:0010279, OMIM 300244.
FG syndrome 2 (FGS2). Identifiers: MedGen C1845902, MONDO:0010297, OMIM 300321.
Frontometaphyseal dysplasia 1 (FMD1). Also called: Frontometaphyseal Dysplasia (FLNA-FMD). Identifiers: Orphanet 1826, MedGen C4281559, MONDO:0024550, OMIM 305620.
Intestinal pseudoobstruction, neuronal, chronic idiopathic, X-linked (CIIPX). Also called: CONGENITAL IDIOPATHIC INTESTINAL PSEUDOOBSTRUCTION; INTESTINAL PSEUDOOBSTRUCTION, NEURONAL, CHRONIC IDIOPATHIC, WITH CENTRAL NERVOUS SYSTEM INVOLVEMENT; FLNA-Related Periventricular Nodular Heterotopia (FLNA-Related PVNH; Huttenlocher Syndrome). Identifiers: Orphanet 2301, MedGen C2746068, MONDO:0010232, OMIM 300048.
Oto-palato-digital syndrome, type I (OPD1). Also called: Otopalatodigital Syndrome, Type I; OPD I SYNDROME; OPD SYNDROME 1; Taybi syndrome; Otopalatodigital Syndrome Type 1 (FLNA-OPD1). Identifiers: Orphanet 669, Orphanet 90650, MedGen C0265251, MONDO:0010704, OMIM 311300.
Cardiac valvular dysplasia, X-linked (CVDPX). Also called: Congenital valvular dysplasia; Isolated X-Linked Cardiac Valvular Dysplasia; MYXOMATOUS VALVULAR DYSTROPHY, X-LINKED; VALVULAR HEART DISEASE, CONGENITAL; FLNA-Related X-linked Cardiac Valvular Dysplasia. Identifiers: Orphanet 1864, Orphanet 555877, Orphanet 75497, MedGen C0262436, MONDO:0010753, OMIM 314400.
Heterotopia, periventricular, X-linked dominant (PVNH1). Also called: PERIVENTRICULAR NODULAR HETEROTOPIA 1; X-linked periventricular heterotopia; PERIVENTRICULAR NODULAR HETEROTOPIA 4; HETEROTOPIA, PERIVENTRICULAR, 1. Identifiers: Orphanet 2149, Orphanet 82004, MedGen C1848213, MONDO:0010233, OMIM 300049.
Frontometaphyseal dysplasia (FMD1). Identifiers: Orphanet 1826, MedGen C0265293, MONDO:0015942.

Allele frequency attached by ClinVar (database versions not stated): TOPMed 0.00002; gnomAD 0.00003 and 0.00002; 1000 Genomes Project 30x 0.00021; 1000 Genomes Project 0.00053; gnomAD exomes 0.00001 and below 0.00001; ExAC 0.00001.
gnomAD v4.1: 7 of 1,209,588 alleles (0.00058%); highest among the groups gnomAD compares: African/African-American, 0.0035%; no homozygotes.

Submissions (3):

Labcorp Genetics (formerly Invitae), Labcorp
Classification: Benign for Oto-palato-digital syndrome, type II; Heterotopia, periventricular, X-linked dominant; Frontometaphyseal dysplasia; Melnick-Needles syndrome. Last evaluated: 2026-01-09. Review status: criteria provided, single submitter. Criteria: Invitae Variant Classification Sherloc (09022015). Collection method: clinical testing. Allele origin: germline.

GeneDx
Classification: Uncertain significance. Last evaluated: 2023-07-11. Review status: criteria provided, single submitter. Criteria: GeneDx Variant Classification Process June 2021. Collection method: clinical testing. Allele origin: germline. Affected: yes.
Comment: Has not been previously published as pathogenic or benign to our knowledge; Not observed at significant frequency in large population cohorts (gnomAD); In silico analysis supports that this missense variant has a deleterious effect on protein structure/function

Fulgent Genetics
Classification: Uncertain significance for Intestinal pseudoobstruction, neuronal, chronic idiopathic, X-linked; Heterotopia, periventricular, X-linked dominant; Terminal osseous dysplasia-pigmentary defects syndrome; FG syndrome 2; Oto-palato-digital syndrome, type II; Frontometaphyseal dysplasia 1; Melnick-Needles syndrome; Oto-palato-digital syndrome, type I; Cardiac valvular dysplasia, X-linked. Last evaluated: 2022-04-26. Review status: criteria provided, single submitter. Criteria: ACMG Guidelines, 2015. Collection method: clinical testing. Allele origin: unknown.

NM_001110556.2(FLNA):c.2392G>A (p.Glu798Lys)

Gene: FLNA (filamin A; minus strand). Cytogenetic location: Xq28.
Variant type: single nucleotide variant.
Coding change: c.2392G>A on transcript NM_001110556.2 (MANE Select); coding-DNA position 2392, G replaced by A.
Protein change: p.Glu798Lys; replaces glutamic acid 798 with lysine.
Molecular consequence: missense variant.
Genome position (GRCh38, 1-based): chrX:154,362,673, C>T on the plus strand (G>A on the coding strand, the complement: FLNA is on the minus strand). VCF-style: chrX-154362673-C-T. GRCh37 (hg19) VCF-style: chrX-153591041-C-T.
Other names: c.2392G>A, p.Glu798Lys (NM_001456.4); short protein forms E798K.
Identifiers: ClinVar variation 1011953 (VCV001011953.12), dbSNP rs782454177, ClinGen allele CA10560947.